The following is an entry in ClinVar:

NM_000246.4(CIITA):c.1423C>T (p.Gln475Ter)

Gene: CIITA (class II major histocompatibility complex transactivator; plus strand). Cytogenetic location: 16p13.13.
Variant type: single nucleotide variant.
Coding change: c.1423C>T on transcript NM_000246.4 (MANE Select); coding-DNA position 1423, C replaced by T.
Protein change: p.Gln475Ter; replaces glutamine 475 with a stop codon.
Molecular consequence: nonsense. On other transcripts: intron variant (1).
Genome position (GRCh38, 1-based): chr16:10,906,915, C>T. VCF-style: chr16-10906915-C-T. GRCh37 (hg19) VCF-style: chr16-11000772-C-T.
Other names: c.1426C>T, p.Gln476Ter (NM_001286402.1, NM_001379332.1); c.1279C>T, p.Gln427Ter (NM_001379330.1); c.1276C>T, p.Gln426Ter (NM_001379331.1); c.1423C>T, p.Gln475Ter (NM_001379333.1); c.1354C>T, p.Gln452Ter (NM_001379334.1); c.860-2068C>T (NM_001286403.2); short protein forms Q452*, Q476*, Q475*, Q427*, Q426*.
Identifiers: ClinVar variation 2179931 (VCV002179931.4), dbSNP rs2544475779, ClinGen allele CA394730731.

ClinVar aggregate classification (germline): Pathogenic (1 of 4 stars; one submission).

Conditions:
MHC class II deficiency. Also called: Bare lymphocyte syndrome 2; BLS, TYPE II. Identifiers: Orphanet 572, MedGen C5447452, MONDO:0008855.

Allele frequency attached by ClinVar (database versions not stated): gnomAD exomes below 0.00001.
gnomAD v4.1: 4 of 1,613,542 alleles (0.00025%); highest among the groups gnomAD compares: Non-Finnish European, 0.00034%; no homozygotes.

Submission:

Labcorp Genetics (formerly Invitae), Labcorp
Classification: Pathogenic for MHC class II deficiency. Last evaluated: 2022-06-01. Review status: criteria provided, single submitter. Criteria: Invitae Variant Classification Sherloc (09022015). Collection method: clinical testing. Allele origin: germline.
Comment: This sequence change creates a premature translational stop signal (p.Gln475*) in the CIITA gene. It is expected to result in an absent or disrupted protein product. Loss-of-function variants in CIITA are known to be pathogenic (PMID: 8402893, 9099848, 26271388). This variant is not present in population databases (gnomAD no frequency). This variant has not been reported in the literature in individuals affected with CIITA-related conditions. For these reasons, this variant has been classified as Pathogenic.

Literature cited by the submitters: PubMed 8402893; PubMed 9099848; PubMed 26271388.